The following is an entry in ClinVar:

NM_001283009.2(RTEL1):c.3508C>T (p.Arg1170Trp)

Genes: RTEL1 (regulator of telomere elongation helicase 1; plus strand), RTEL1-TNFRSF6B (RTEL1-TNFRSF6B readthrough (NMD candidate); plus strand). Cytogenetic location: 20q13.33.
Variant type: single nucleotide variant.
Coding change: c.3508C>T on transcript NM_001283009.2 (MANE Select); coding-DNA position 3508, C replaced by T.
Protein change: p.Arg1170Trp; replaces arginine 1170 with tryptophan.
Molecular consequence: missense variant. On other transcripts: non-coding transcript variant (1).
Genome position (GRCh38, 1-based): chr20:63,695,336, C>T. VCF-style: chr20-63695336-C-T. GRCh37 (hg19) VCF-style: chr20-62326689-C-T.
Other names: c.2839C>T, p.Arg947Trp (NM_001283010.1); c.3508C>T, p.Arg1170Trp (NM_016434.4); c.3580C>T, p.Arg1194Trp (NM_032957.5); c.3580C>T (NM_032957.4); short protein forms R1170W, R947W, R1194W.
Identifiers: ClinVar variation 1397180 (VCV001397180.7), dbSNP rs773894104, ClinGen allele CA9966100.
Genomic context (GRCh38, chr20:63,695,336, plus strand): 5'-GAGTGAGCAGCAAAGCCCCAGGCCCCCCTCAGACTCAAGTCTCTGTCTCCAGGCCCCTCA[C>T]GGTCCGAGAAGACCGGGAAGACCCAGAGCAAGATCTCGTCCTTCCTTAGACAGAGGCCAG-3'
Protein context (NP_001269938.1, residues 1160-1180): THRAPQPGPS[Arg1170Trp]SEKTGKTQSK

ClinVar aggregate classification (germline): Uncertain significance. Review status: criteria provided, multiple submitters, no conflicts (2 of 4 stars). 4 submissions from 4 submitters: Uncertain significance (4). Last evaluated 2025-10-22.

Conditions:
Inborn genetic diseases. Identifiers: MedGen C0950123, MeSH D030342.
Dyskeratosis congenita, autosomal recessive 5 (DKCB5). Identifiers: MedGen C3554656, MONDO:0014076, OMIM 615190.
Pulmonary fibrosis and/or bone marrow failure, Telomere-related, 3. Also called: PULMONARY FIBROSIS AND/OR BONE MARROW FAILURE SYNDROME, TELOMERE-RELATED, 3. Identifiers: Orphanet 2032, MedGen C4225346, MONDO:0014613, OMIM 616373.

Allele frequency attached by ClinVar (database versions not stated): ExAC 0.00002; gnomAD exomes 0.00003 and 0.00004; TOPMed 0.00004; gnomAD 0.00005 and 0.00006.
gnomAD v4.1: 64 of 1,556,832 alleles (0.0041%); highest among the groups gnomAD compares: Admixed American, 0.013%; no homozygotes.

Submissions (4):

Ambry Genetics
Classification: Uncertain significance for Inborn genetic diseases. Last evaluated: 2025-10-22. Review status: criteria provided, single submitter. Criteria: Ambry Variant Classification Scheme 2023. Collection method: clinical testing. Allele origin: germline.

Labcorp Genetics (formerly Invitae), Labcorp
Classification: Uncertain significance for Dyskeratosis congenita, autosomal recessive 5; Pulmonary fibrosis and/or bone marrow failure, Telomere-related, 3. Last evaluated: 2024-10-23. Review status: criteria provided, single submitter. Criteria: Invitae Variant Classification Sherloc (09022015). Collection method: clinical testing. Allele origin: germline.
Comment: This sequence change replaces arginine, which is basic and polar, with tryptophan, which is neutral and slightly polar, at codon 1170 of the RTEL1 protein (p.Arg1170Trp). This variant is present in population databases (rs773894104, gnomAD 0.007%). This variant has not been reported in the literature in individuals affected with RTEL1-related conditions. ClinVar contains an entry for this variant (Variation ID: 1397180). An algorithm developed to predict the effect of missense changes on protein structure and function outputs the following: PolyPhen-2: "Benign". The tryptophan amino acid residue is found in multiple mammalian species, which suggests that this missense change does not adversely affect protein function. In summary, the available evidence is currently insufficient to determine the role of this variant in disease. Therefore, it has been classified as a Variant of Uncertain Significance.

Fulgent Genetics
Classification: Uncertain significance for Dyskeratosis congenita, autosomal recessive 5; Pulmonary fibrosis and/or bone marrow failure, Telomere-related, 3. Last evaluated: 2024-04-12. Review status: criteria provided, single submitter. Criteria: ACMG Guidelines, 2015. Collection method: clinical testing. Allele origin: germline.

Blueprint Genetics
Classification: Uncertain significance. Last evaluated: 2023-11-13. Review status: criteria provided, single submitter. Criteria: ACMG Guidelines, 2015. Collection method: clinical testing. Allele origin: germline.